The following is an entry in ClinVar:

ClinVar aggregate classification (germline): Conflicting classifications of pathogenicity. Review status: criteria provided, conflicting classifications (1 of 4 stars). 5 submissions from 5 submitters: Uncertain significance (4); Benign (1). Last evaluated 2024-11-21.

Conditions:
Hereditary nonpolyposis colorectal neoplasms. Identifiers: MedGen C0009405, MeSH D003123.
Hereditary cancer-predisposing syndrome. Also called: Tumor predisposition; Hereditary Cancer Syndrome; Hereditary neoplastic syndrome; Neoplastic Syndromes, Hereditary. Identifiers: Orphanet 140162, MedGen C0027672, MeSH D009386, MONDO:0015356.
Lynch syndrome. Identifiers: Orphanet 144, MedGen C4552100, MONDO:0005835. Disease mechanism: loss of function.

Allele frequency attached by ClinVar (database versions not stated): ExAC 0.00001.
gnomAD v4.1: 5 of 1,614,152 alleles (0.00031%); highest among the groups gnomAD compares: East Asian, 0.011%; no homozygotes.

Submissions (5):

Ambry Genetics
Classification: Uncertain significance for Hereditary cancer-predisposing syndrome. Last evaluated: 2024-11-21. Review status: criteria provided, single submitter. Criteria: Ambry Variant Classification Scheme 2023. Collection method: clinical testing. Allele origin: germline.
Comment: The p.D358E variant (also known as c.1074C>G), located in coding exon 4 of the MSH6 gene, results from a C to G substitution at nucleotide position 1074. The aspartic acid at codon 358 is replaced by glutamic acid, an amino acid with highly similar properties. This amino acid position is not well conserved in available vertebrate species. In addition, this alteration is predicted to be tolerated by in silico analysis. Based on the available evidence, the clinical significance of this variant remains unclear.

Color Diagnostics, LLC DBA Color Health
Classification: Uncertain significance for Hereditary cancer-predisposing syndrome. Last evaluated: 2024-03-06. Review status: criteria provided, single submitter. Criteria: ACMG Guidelines, 2015. Collection method: clinical testing. Allele origin: germline.
Comment: This missense variant replaces aspartic acid with glutamic acid at codon 358 of the MSH6 protein. Computational prediction suggests that this variant may not impact protein structure and function (internally defined REVEL score threshold <= 0.5, PMID: 27666373). To our knowledge, functional studies have not been reported for this variant. This variant has not been reported in individuals affected with MSH6-related disorders in the literature. This variant has been identified in 2/251158 chromosomes in the general population by the Genome Aggregation Database (gnomAD). The available evidence is insufficient to determine the role of this variant in disease conclusively. Therefore, this variant is classified as a Variant of Uncertain Significance.

All of Us Research Program, National Institutes of Health
Classification: Uncertain significance for Lynch syndrome. Last evaluated: 2023-10-06. Review status: criteria provided, single submitter. Criteria: ACMG Guidelines, 2015. Collection method: clinical testing. Allele origin: germline. Inheritance: Autosomal dominant inheritance. Observed: 1 variant allele, 1 heterozygote.
Comment: This missense variant replaces aspartic acid with glutamic acid at codon 358 of the MSH6 protein. Computational prediction suggests that this variant may not impact protein structure and function (internally defined REVEL score threshold <= 0.5, PMID: 27666373). To our knowledge, functional studies have not been reported for this variant. This variant has not been reported in individuals affected with MSH6-related disorders in the literature. This variant has been identified in 2/251158 chromosomes in the general population by the Genome Aggregation Database (gnomAD). The available evidence is insufficient to determine the role of this variant in disease conclusively. Therefore, this variant is classified as a Variant of Uncertain Significance.

This study involves interpretation of variants in research participants for the purpose of population health screening. Participant phenotype was not available at the time of variant classification. Additional details can be found in publication PMID: 35346344, PMCID: PMC8962531

Labcorp Genetics (formerly Invitae), Labcorp
Classification: Benign for Hereditary nonpolyposis colorectal neoplasms. Last evaluated: 2023-09-10. Review status: criteria provided, single submitter. Criteria: Invitae Variant Classification Sherloc (09022015). Collection method: clinical testing. Allele origin: germline.

GeneDx
Classification: Uncertain significance. Last evaluated: 2022-12-19. Review status: criteria provided, single submitter. Criteria: GeneDx Variant Classification Process June 2021. Collection method: clinical testing. Allele origin: germline. Affected: yes.
Comment: Not observed at significant frequency in large population cohorts (gnomAD); In silico analysis supports that this missense variant does not alter protein structure/function; Has not been previously published as pathogenic or benign to our knowledge; This variant is associated with the following publications: (PMID: 21437237)

NM_000179.3(MSH6):c.1074C>G (p.Asp358Glu)

Gene: MSH6 (mutS homolog 6; plus strand). Cytogenetic location: 2p16.3.
Variant type: single nucleotide variant.
Coding change: c.1074C>G on transcript NM_000179.3 (MANE Select); coding-DNA position 1074, C replaced by G.
Protein change: p.Asp358Glu; replaces aspartic acid 358 with glutamic acid.
Molecular consequence: missense variant.
Genome position (GRCh38, 1-based): chr2:47,799,057, C>G. VCF-style: chr2-47799057-C-G. GRCh37 (hg19) VCF-style: chr2-48026196-C-G.
Other names: c.684C>G, p.Asp228Glu (NM_001281492.2); c.168C>G, p.Asp56Glu (NM_001281493.2, NM_001281494.2); short protein forms D358E, D228E, D56E.
Identifiers: ClinVar variation 485878 (VCV000485878.19), dbSNP rs760311819, ClinGen allele CA067120.